The following is an entry in ClinVar:

ClinVar aggregate classification (germline): Conflicting classifications of pathogenicity. Review status: criteria provided, conflicting classifications (1 of 4 stars). 2 submissions from 2 submitters: Uncertain significance (1); Likely benign (1). Last evaluated 2025-10-25.

Conditions:
Hereditary cancer-predisposing syndrome. Also called: Hereditary neoplastic syndrome; Neoplastic Syndromes, Hereditary; Tumor predisposition; Hereditary Cancer Syndrome. Identifiers: Orphanet 140162, MedGen C0027672, MeSH D009386, MONDO:0015356.
Familial adenomatous polyposis 1 (FAP1). Also called: POLYPOSIS, ADENOMATOUS INTESTINAL; FAMILIAL ADENOMATOUS POLYPOSIS 1, ATTENUATED. Identifiers: MedGen C2713442, MONDO:0021056, OMIM 175100. Disease mechanism: loss of function.

Allele frequency attached by ClinVar (database versions not stated): gnomAD exomes below 0.00001.
gnomAD v4.1: 1 of 1,586,106 alleles (0.000063%); highest among the groups gnomAD compares: Admixed American, 0.0017%; no homozygotes.

Submissions (2):

Labcorp Genetics (formerly Invitae), Labcorp
Classification: Uncertain significance for Familial adenomatous polyposis 1. Last evaluated: 2025-10-25. Review status: criteria provided, single submitter. Criteria: Invitae Variant Classification Sherloc (09022015). Collection method: clinical testing. Allele origin: germline.
Comment: This sequence change falls in intron 13 of the APC gene. It does not directly change the encoded amino acid sequence of the APC protein. It affects a nucleotide within the consensus splice site. This variant is not present in population databases (gnomAD no frequency). This variant has not been reported in the literature in individuals affected with APC-related conditions. ClinVar contains an entry for this variant (Variation ID: 469716). Variants that disrupt the consensus splice site are a relatively common cause of aberrant splicing (PMID: 17576681, 9536098). Algorithms developed to predict the effect of sequence changes on RNA splicing suggest that this variant is not likely to affect RNA splicing. In summary, the available evidence is currently insufficient to determine the role of this variant in disease. Therefore, it has been classified as a Variant of Uncertain Significance.

Ambry Genetics
Classification: Likely benign for Hereditary cancer-predisposing syndrome. Last evaluated: 2025-03-10. Review status: criteria provided, single submitter. Criteria: Ambry Variant Classification Scheme 2023. Collection method: clinical testing. Allele origin: germline.

Literature cited by the submitters: PubMed 17576681 (cited by Labcorp Genetics (formerly Invitae), Labcorp); PubMed 9536098 (cited by Labcorp Genetics (formerly Invitae), Labcorp).

NM_000038.6(APC):c.1627-3C>T

Gene: APC (APC regulator of Wnt signaling pathway; plus strand). Cytogenetic location: 5q22.2.
Variant type: single nucleotide variant.
Coding change: c.1627-3C>T on transcript NM_000038.6 (MANE Select); 3 bases into the intron before coding-DNA position 1627, C replaced by T.
Molecular consequence: intron variant.
Genome position (GRCh38, 1-based): chr5:112,828,853, C>T. VCF-style: chr5-112828853-C-T. GRCh37 (hg19) VCF-style: chr5-112164550-C-T.
Other names: c.1627-3C>T (NM_001354895.2, NM_001127510.3); c.1657-3C>T (NM_001354897.2); c.1354-3C>T (NM_001354902.2); c.1573-3C>T (NM_001127511.3); c.1552-3C>T (NM_001354898.2); c.1249-3C>T (NM_001354904.2); c.778-3C>T (NM_001354906.2); c.1681-3C>T (NM_001354896.2); and 5 more.
Identifiers: ClinVar variation 469716 (VCV000469716.13), dbSNP rs1554082079, ClinGen allele CA658655947.